The following is an entry in ClinVar:

NM_139315.3(TAF6):c.76A>T (p.Met26Leu)

Gene: TAF6 (TATA-box binding protein associated factor 6; minus strand). Cytogenetic location: 7q22.1.
Variant type: single nucleotide variant.
Coding change: c.76A>T on transcript NM_139315.3 (MANE Select); coding-DNA position 76, A replaced by T.
Protein change: p.Met26Leu; replaces methionine 26 with leucine.
Molecular consequence: missense variant. On other transcripts: non-coding transcript variant (1).
Genome position (GRCh38, 1-based): chr7:100,114,134, T>A on the plus strand (A>T on the coding strand, the complement: TAF6 is on the minus strand). VCF-style: chr7-100114134-T-A. GRCh37 (hg19) VCF-style: chr7-99711757-T-A.
Other names: c.187A>T, p.Met63Leu (NM_001190415.2); c.76A>T, p.Met26Leu (NM_001364998.1, NM_001364999.1, NM_001365000.1 and 4 more transcripts); c.214A>T, p.Met72Leu (NM_001365004.1); c.76A>T (NM_005641.3); short protein forms M26L, M63L, M72L.
Identifiers: ClinVar variation 2657736 (VCV002657736.29), dbSNP rs182080362, ClinGen allele CA4375804.

ClinVar aggregate classification (germline): Benign/Likely benign. Review status: criteria provided, multiple submitters, no conflicts (2 of 4 stars). 4 submissions from 4 submitters: Benign (1); Likely benign (2). 1 of the submissions does not count toward it. Last evaluated 2025-01-13.

Conditions:
TAF6-related disorder. Also called: TAF6-related condition.

Allele frequency attached by ClinVar (database versions not stated): ESP Exome Variant Server 0.00008; 1000 Genomes Project 30x 0.00047; 1000 Genomes Project 0.00060; gnomAD 0.00086; ExAC 0.00136.
gnomAD v4.1: 1,031 of 1,614,244 alleles (0.064%); highest among the groups gnomAD compares: East Asian, 0.018%; 6 homozygotes.

Submissions (4):

Labcorp Genetics (formerly Invitae), Labcorp
Classification: Benign. Last evaluated: 2025-01-13. Review status: criteria provided, single submitter. Criteria: Invitae Variant Classification Sherloc (09022015). Collection method: clinical testing. Allele origin: germline.

Blueprint Genetics
Classification: Likely benign. Last evaluated: 2024-10-03. Review status: criteria provided, single submitter. Criteria: ACMG Guidelines, 2015. Collection method: clinical testing. Allele origin: germline.

CeGaT Center for Human Genetics Tuebingen
Classification: Likely benign. Last evaluated: 2022-05-01. Review status: criteria provided, single submitter. Criteria: CeGaT Center For Human Genetics Tuebingen Variant Classification Criteria Version 2. Collection method: clinical testing. Allele origin: germline. Affected: yes. Observed: 1 variant allele.
Comment: TAF6: BS2

PreventionGenetics, part of Exact Sciences
Classification: Benign for TAF6-related condition. Last evaluated: 2020-01-21. Review status: no assertion criteria provided. Collection method: clinical testing. Allele origin: germline. Not counted in ClinVar's aggregate classification.
Comment: This variant is classified as benign based on ACMG/AMP sequence variant interpretation guidelines (Richards et al. 2015 PMID: 25741868, with internal and published modifications).